The following is an entry in ClinVar:

NM_001330723.2(SNX27):c.1072C>T (p.Arg358Ter)

Gene: SNX27 (sorting nexin 27; plus strand). Cytogenetic location: 1q21.3.
Variant type: single nucleotide variant.
Coding change: c.1072C>T on transcript NM_001330723.2 (MANE Select); coding-DNA position 1072, C replaced by T.
Protein change: p.Arg358Ter; replaces arginine 358 with a stop codon.
Molecular consequence: nonsense.
Genome position (GRCh38, 1-based): chr1:151,668,558, C>T. VCF-style: chr1-151668558-C-T. GRCh37 (hg19) VCF-style: chr1-151641034-C-T.
Other names: c.1072C>T, p.Arg358Ter (NM_030918.6); short protein forms R358*.
Identifiers: ClinVar variation 2710701 (VCV002710701.3), dbSNP rs2525037609, ClinGen allele CA341966249.

ClinVar aggregate classification (germline): Pathogenic (1 of 4 stars; one submission).

Conditions:
Severe myoclonic epilepsy in infancy (DRVT). Also called: SEVERE MYOCLONIC EPILEPSY OF INFANCY; DEVELOPMENTAL AND EPILEPTIC ENCEPHALOPATHY 6A; Severe Myoclonic Epilepsy in Infancy (SMEI); Dravet syndrome; Epileptic encephalopathy, early infantile, 6 (Dravet syndrome). Identifiers: Orphanet 33069, MedGen C0751122, MONDO:0100135, OMIM 607208.

Submission:

Labcorp Genetics (formerly Invitae), Labcorp
Classification: Pathogenic for Severe myoclonic epilepsy in infancy. Last evaluated: 2024-01-22. Review status: criteria provided, single submitter. Criteria: Invitae Variant Classification Sherloc (09022015). Collection method: clinical testing. Allele origin: germline.
Comment: This sequence change creates a premature translational stop signal (p.Arg358*) in the SNX27 gene. It is expected to result in an absent or disrupted protein product. Loss-of-function variants in SNX27 are known to be pathogenic (PMID: 25894286). This variant is not present in population databases (gnomAD no frequency). This variant has not been reported in the literature in individuals affected with SNX27-related conditions. For these reasons, this variant has been classified as Pathogenic.

Literature cited by the submitters: PubMed 25894286.